The following is an entry in ClinVar:

ClinVar aggregate classification (germline): Pathogenic (1 of 4 stars; one submission).

Conditions:
Congenital multicore myopathy with external ophthalmoplegia (CMYO1B). Also called: Congenital myopathy 1B, autosomal recessive; Minicore myopathy; MULTICORE MYOPATHY; Minicore myopathy with external ophthalmoplegia; MULTIMINICORE DISEASE WITH EXTERNAL OPHTHALMOPLEGIA. Identifiers: Orphanet 598, Orphanet 98905, MedGen C1850674, MONDO:0009712, OMIM 255320, HP:0003789.

Submission:

Victorian Clinical Genetics Services, Murdoch Childrens Research Institute
Classification: Pathogenic for Congenital multicore myopathy with external ophthalmoplegia. Last evaluated: 2025-03-06. Review status: criteria provided, single submitter. Criteria: ACMG Guidelines, 2015. Collection method: clinical testing. Allele origin: germline. Affected: no.
Comment: This variant is classified as Pathogenic. Evidence in support of pathogenic classification: Variant is predicted to cause nonsense-mediated decay (NMD) and loss of protein (premature termination codon is located at least 54 nucleotides upstream of the final exon-exon junction); Variant is absent from gnomAD (v2, v3 and v4); This variant has limited previous evidence of pathogenicity in an unrelated individual(s). This variant has been classified as pathogenic by a clinical laboratory in LOVD. - Other NMD-predicted variant(s) comparable to the one identified in this case have very strong previous evidence for pathogenicity (DECIPHER). Additional information: This variant is heterozygous; This gene is associated with both recessive and dominant disease (OMIM); No published segregation evidence has been identified for this variant; No published functional evidence has been identified for this variant; Loss of function and gain of function are known mechanisms of disease in this gene and are associated with RYR1-related disorders (OMIM). Gain of function mechanism has been described in the context of malignant hyperthermia susceptibility 1 (MIM#145600) and autosomal dominant congenital myopathy 1A with susceptibility to malignant hyperthermia (MIM#117000). Autosomal recessive congenital myopathy 1B (MIM#255320) is associated with a loss of function mechanism (PMIDs: 27855725, 23919265). The mechanism of King-Denborough syndrome (MIM#619542) is unclear. - Inheritance information for this variant is not currently available in this individual.

Literature cited by the submitters: PubMed 27855725; PubMed 23919265.

NM_000540.3(RYR1):c.1024G>T (p.Glu342Ter)

Gene: RYR1 (ryanodine receptor 1; plus strand). Cytogenetic location: 19q13.2.
Variant type: single nucleotide variant.
Coding change: c.1024G>T on transcript NM_000540.3 (MANE Select); coding-DNA position 1024, G replaced by T.
Protein change: p.Glu342Ter; replaces glutamic acid 342 with a stop codon.
Molecular consequence: nonsense.
Genome position (GRCh38, 1-based): chr19:38,448,715, G>T. VCF-style: chr19-38448715-G-T. GRCh37 (hg19) VCF-style: chr19-38939355-G-T.
Other names: c.1024G>T, p.Glu342Ter (NM_001042723.2); short protein forms E342*.
Identifiers: ClinVar variation 4531720 (VCV004531720.1).